The following is an entry in ClinVar:

NM_006767.4(LZTR1):c.201-11T>G

Gene: LZTR1 (leucine zipper like post translational regulator 1; plus strand). Cytogenetic location: 22q11.21.
Variant type: single nucleotide variant.
Coding change: c.201-11T>G on transcript NM_006767.4 (MANE Select); 11 bases into the intron before coding-DNA position 201, T replaced by G.
Molecular consequence: intron variant.
Genome position (GRCh38, 1-based): chr22:20,983,016, T>G. VCF-style: chr22-20983016-T-G. GRCh37 (hg19) VCF-style: chr22-21337305-T-G.
Identifiers: ClinVar variation 2627113 (VCV002627113.2), dbSNP rs2518608529, ClinGen allele CA2582342730.

ClinVar aggregate classification (germline): Likely benign. Review status: criteria provided, multiple submitters, no conflicts (2 of 4 stars). 2 submissions from 2 submitters: Likely benign (2). Last evaluated 2025-11-11.

Allele frequency attached by ClinVar (database versions not stated): gnomAD exomes below 0.00001.

Submissions (2):

Labcorp Genetics (formerly Invitae), Labcorp
Classification: Likely benign. Last evaluated: 2025-11-11. Review status: criteria provided, single submitter. Criteria: Invitae Variant Classification Sherloc (09022015). Collection method: clinical testing. Allele origin: germline.

Women's Health and Genetics/Laboratory Corporation of America, LabCorp
Classification: Likely benign. Last evaluated: 2023-09-05. Review status: criteria provided, single submitter. Criteria: LabCorp Variant Classification Summary - May 2015. Collection method: clinical testing. Allele origin: germline.
Comment: Variant summary: LZTR1 c.201-11T>G alters a non-conserved nucleotide located at a position not widely known to affect splicing. Consensus agreement among computation tools predict no significant impact on normal splicing. However, these predictions have yet to be confirmed by functional studies. The variant was absent in 251440 control chromosomes (gnomAD). The available data on variant occurrences in the general population are insufficient to allow any conclusion about variant significance. To our knowledge, no occurrence of c.201-11T>G in individuals affected with Noonan Syndrome and no experimental evidence demonstrating its impact on protein function have been reported. No submitters have cited clinical-significance assessments for this variant to ClinVar after 2014. Based on the evidence outlined above, the variant was classified as likely benign.